The following is an entry in ClinVar:

ClinVar aggregate classification (germline): Uncertain significance (1 of 4 stars; one submission).

Submission:

GeneDx
Classification: Uncertain significance. Last evaluated: 2026-10-09. Review status: criteria provided, single submitter. Criteria: GeneDx Variant Classification Process June 2021. Collection method: clinical testing. Allele origin: germline.
Comment: Not observed at significant frequency in large population cohorts (gnomAD); In silico analysis supports that this missense variant has a deleterious effect on protein structure/function; Has not been previously published as pathogenic or benign to our knowledge; Not located in one of the three hot-spot regions of the RYR2 gene, where the majority of pathogenic missense variants occur (PMID: 19926015); This variant is associated with the following publications: (PMID: 19926015)

NM_001035.3(RYR2):c.2023T>C (p.Tyr675His)

Gene: RYR2 (ryanodine receptor 2; plus strand). Cytogenetic location: 1q43.
Variant type: single nucleotide variant.
Coding change: c.2023T>C on transcript NM_001035.3 (MANE Select); coding-DNA position 2023, T replaced by C.
Protein change: p.Tyr675His; replaces tyrosine 675 with histidine.
Molecular consequence: missense variant.
Genome position (GRCh38, 1-based): chr1:237,496,572, T>C. VCF-style: chr1-237496572-T-C. GRCh37 (hg19) VCF-style: chr1-237659872-T-C.
Other names: short protein forms Y675H.
Identifiers: ClinVar variation 3360790 (VCV003360790.2).
Genomic context (GRCh38, chr1:237,496,572, plus strand): 5'-ATGAGACCCAATATTTTTCTGGGCGTCAGTGAAGGTTCTGCTCAGTATAAGAAATGGTAC[T>C]ATGAATTGATGGTGGACCACACAGAGCCCTTTGTGACAGCTGAAGCAACTCACCTGCGAG-3'
Protein context (NP_001026.2, residues 665-685): EGSAQYKKWY[Tyr675His]ELMVDHTEPF